The following is an entry in ClinVar:

ClinVar aggregate classification (germline): Uncertain significance. Review status: criteria provided, multiple submitters, no conflicts (2 of 4 stars). 2 submissions from 2 submitters: Uncertain significance (2). Last evaluated 2024-03-07.

Conditions:
Pyridoxine-dependent epilepsy (EPEO4). Also called: Pyridoxine-Dependent Seizures; Pyridoxine-Dependent Epilepsy - ALDH7A1; PYRIDOXINE DEPENDENCY WITH SEIZURES; EPILEPSY, EARLY-ONSET, 4, VITAMIN B6-DEPENDENT. Identifiers: Orphanet 3006, MedGen C1849508, MONDO:0009945, OMIM 266100. Disease mechanism: loss of function.

Allele frequency attached by ClinVar (database versions not stated): gnomAD exomes 0.00001 and below 0.00001; ExAC 0.00001.
gnomAD v4.1: 8 of 1,613,040 alleles (0.0005%); highest among the groups gnomAD compares: Non-Finnish European, 0.00068%; no homozygotes.

Submissions (2):

GeneDx
Classification: Uncertain significance. Last evaluated: 2024-03-07. Review status: criteria provided, single submitter. Criteria: GeneDx Variant Classification Process June 2021. Collection method: clinical testing. Allele origin: germline. Affected: yes.
Comment: Not observed at significant frequency in large population cohorts (gnomAD); In silico analysis supports that this missense variant has a deleterious effect on protein structure/function; Has not been previously published as pathogenic or benign to our knowledge

Labcorp Genetics (formerly Invitae), Labcorp
Classification: Uncertain significance for Pyridoxine-dependent epilepsy. Last evaluated: 2021-08-28. Review status: criteria provided, single submitter. Criteria: Invitae Variant Classification Sherloc (09022015). Collection method: clinical testing. Allele origin: germline.
Comment: This sequence change replaces arginine with lysine at codon 162 of the ALDH7A1 protein (p.Arg162Lys). The arginine residue is highly conserved and there is a small physicochemical difference between arginine and lysine. This variant is present in population databases (rs781569684, ExAC 0.001%). This variant has not been reported in the literature in individuals affected with ALDH7A1-related conditions. Algorithms developed to predict the effect of missense changes on protein structure and function are either unavailable or do not agree on the potential impact of this missense change (SIFT: "Deleterious"; PolyPhen-2: "Probably Damaging"; Align-GVGD: "Class C0"). Algorithms developed to predict the effect of sequence changes on RNA splicing suggest that this variant may create or strengthen a splice site. In summary, the available evidence is currently insufficient to determine the role of this variant in disease. Therefore, it has been classified as a Variant of Uncertain Significance.

NM_001182.5(ALDH7A1):c.485G>A (p.Arg162Lys)

Gene: ALDH7A1 (aldehyde dehydrogenase 7 family member A1; minus strand). Cytogenetic location: 5q23.2.
Variant type: single nucleotide variant.
Coding change: c.485G>A on transcript NM_001182.5 (MANE Select); coding-DNA position 485, G replaced by A.
Protein change: p.Arg162Lys; replaces arginine 162 with lysine.
Molecular consequence: missense variant.
Genome position (GRCh38, 1-based): chr5:126,582,883, C>T on the plus strand (G>A on the coding strand, the complement: ALDH7A1 is on the minus strand). VCF-style: chr5-126582883-C-T. GRCh37 (hg19) VCF-style: chr5-125918575-C-T.
Other names: c.401G>A, p.Arg134Lys (NM_001201377.2); c.485G>A, p.Arg162Lys (NM_001202404.2); c.485G>A (NM_001182.4); short protein forms R134K, R162K.
Identifiers: ClinVar variation 1038817 (VCV001038817.7), dbSNP rs781569684, ClinGen allele CA3389762.